The following is an entry in ClinVar:

NM_000742.4(CHRNA2):c.647T>C (p.Met216Thr)

Gene: CHRNA2 (cholinergic receptor nicotinic alpha 2 subunit; minus strand). Cytogenetic location: 8p21.2.
Variant type: single nucleotide variant.
Coding change: c.647T>C on transcript NM_000742.4 (MANE Select); coding-DNA position 647, T replaced by C.
Protein change: p.Met216Thr; replaces methionine 216 with threonine.
Molecular consequence: missense variant.
Genome position (GRCh38, 1-based): chr8:27,463,796, A>G on the plus strand (T>C on the coding strand, the complement: CHRNA2 is on the minus strand). VCF-style: chr8-27463796-A-G. GRCh37 (hg19) VCF-style: chr8-27321313-A-G.
Other names: c.647T>C (NM_000742.3); c.602T>C, p.Met201Thr (NM_001282455.2); c.170T>C, p.Met57Thr (NM_001347705.2, NM_001347706.2); c.53T>C, p.Met18Thr (NM_001347707.2, NM_001347708.2); short protein forms M57T, M201T, M18T, M216T.
Identifiers: ClinVar variation 2085508 (VCV002085508.5), dbSNP rs529695608, ClinGen allele CA174242540.

ClinVar aggregate classification (germline): Uncertain significance. Review status: criteria provided, multiple submitters, no conflicts (2 of 4 stars). 2 submissions from 2 submitters: Uncertain significance (2). Last evaluated 2025-10-23.

Conditions:
Familial sleep-related hypermotor epilepsy. Also called: Autosomal Dominant Sleep-Related Hypermotor (Hyperkinetic) Epilepsy. Identifiers: Orphanet 98784, MedGen C3696898, MONDO:0000030.

Allele frequency attached by ClinVar (database versions not stated): 1000 Genomes Project 30x 0.00016; gnomAD 0.00001; gnomAD exomes 0.00001; 1000 Genomes Project 0.00020.

Submissions (2):

Labcorp Genetics (formerly Invitae), Labcorp
Classification: Uncertain significance. Last evaluated: 2025-10-23. Review status: criteria provided, single submitter. Criteria: Invitae Variant Classification Sherloc (09022015). Collection method: clinical testing. Allele origin: germline.
Comment: This sequence change replaces methionine, which is neutral and non-polar, with threonine, which is neutral and polar, at codon 216 of the CHRNA2 protein (p.Met216Thr). This variant is not present in population databases (gnomAD no frequency). This variant has not been reported in the literature in individuals affected with CHRNA2-related conditions. ClinVar contains an entry for this variant (Variation ID: 2085508). Invitae Evidence Modeling of protein sequence and biophysical properties (such as structural, functional, and spatial information, amino acid conservation, physicochemical variation, residue mobility, and thermodynamic stability) indicates that this missense variant is not expected to disrupt CHRNA2 protein function with a negative predictive value of 80%. In summary, the available evidence is currently insufficient to determine the role of this variant in disease. Therefore, it has been classified as a Variant of Uncertain Significance.

GeneDx
Classification: Uncertain significance. Last evaluated: 2023-02-22. Review status: criteria provided, single submitter. Criteria: GeneDx Variant Classification Process June 2021. Collection method: clinical testing. Allele origin: germline. Affected: yes.
Comment: Not observed at significant frequency in large population cohorts (gnomAD); In silico analysis supports that this missense variant has a deleterious effect on protein structure/function; Has not been previously published as pathogenic or benign to our knowledge